The following is an entry in ClinVar:

NM_001111.5(ADAR):c.3059C>T (p.Pro1020Leu)

Gene: ADAR (adenosine deaminase RNA specific; minus strand). Cytogenetic location: 1q21.3.
Variant type: single nucleotide variant.
Coding change: c.3059C>T on transcript NM_001111.5 (MANE Select); coding-DNA position 3059, C replaced by T.
Protein change: p.Pro1020Leu; replaces proline 1020 with leucine.
Molecular consequence: missense variant.
Genome position (GRCh38, 1-based): chr1:154,586,324, G>A on the plus strand (C>T on the coding strand, the complement: ADAR is on the minus strand). VCF-style: chr1-154586324-G-A. GRCh37 (hg19) VCF-style: chr1-154558800-G-A.
Other names: c.2174C>T, p.Pro725Leu (NM_001025107.3, NM_001193495.2, NM_001365046.1 and 2 more transcripts); c.3086C>T, p.Pro1029Leu (NM_001365045.1); c.2096C>T, p.Pro699Leu (NM_001365049.1); c.2981C>T, p.Pro994Leu (NM_015840.4); c.2924C>T, p.Pro975Leu (NM_015841.4); short protein forms P1020L, P1029L, P699L, P725L, P975L, P994L.
Identifiers: ClinVar variation 4085275 (VCV004085275.8).

ClinVar aggregate classification (germline): Uncertain significance (1 of 4 stars; one submission).

Submission:

CeGaT Center for Human Genetics Tuebingen
Classification: Uncertain significance. Last evaluated: 2025-07-01. Review status: criteria provided, single submitter. Criteria: CeGaT Center For Human Genetics Tuebingen Variant Classification Criteria Version 2. Collection method: clinical testing. Allele origin: germline. Affected: yes. Observed: 1 variant allele.
Comment: ADAR: PM2, PP3